The following is an entry in ClinVar:

NM_001127222.2(CACNA1A):c.2748_2753dup (p.Glu919_Ala920insGlyGlu)

Gene: CACNA1A (calcium voltage-gated channel subunit alpha1 A; minus strand). Cytogenetic location: 19p13.13.
Variant type: Duplication.
Coding change: c.2748_2753dup on transcript NM_001127222.2 (MANE Select); coding-DNA positions 2748 to 2753, 6 bases duplicated (GGAGGG; older notation c.2748_2753dupGGAGGG).
Protein change: p.Glu919_Ala920insGlyGlu.
Molecular consequence: inframe indel (on NM_001127221.1).
Genome position (GRCh38, 1-based): chr19:13,298,880-13,298,885, CCCTCC duplicated on the plus strand (GGAGGG on the coding strand, the reverse complement: CACNA1A is on the minus strand); duplicating any 6 consecutive bases within chr19:13,298,880-13,298,886 gives the same sequence; the c. name uses the placement nearest the transcript's 3' end. VCF-style (leftmost placement, unchanged base first): chr19-13298879-G-GCCCTCC. GRCh37 (hg19) VCF-style: chr19-13409693-G-GCCCTCC.
Other names: c.2751_2756dup (NM_001127221.1); c.2760_2765dup, p.Glu923_Ala924insGlyGlu (NM_000068.4, NM_023035.3); c.2751_2756dup, p.Glu920_Ala921insGlyGlu (NM_001127221.2, NM_001174080.2).
Identifiers: ClinVar variation 3393788 (VCV003393788.3).

ClinVar aggregate classification (germline): Uncertain significance (1 of 4 stars; one submission).

Submission:

GeneDx
Classification: Uncertain significance. Last evaluated: 2026-08-25. Review status: criteria provided, single submitter. Criteria: GeneDx Variant Classification Process June 2021. Collection method: clinical testing. Allele origin: germline.
Comment: In-frame duplication of 2 amino acid(s) in a non-repeat region; Not observed at significant frequency in large population cohorts (gnomAD); Has not been previously published as pathogenic or benign to our knowledge